The following is an entry in ClinVar:

NM_012467.4(TPSG1):c.508G>A (p.Gly170Arg)

Gene: TPSG1 (tryptase gamma 1; minus strand). Cytogenetic location: 16p13.3.
Variant type: single nucleotide variant.
Coding change: c.508G>A on transcript NM_012467.4 (MANE Select); coding-DNA position 508, G replaced by A.
Protein change: p.Gly170Arg; replaces glycine 170 with arginine.
Molecular consequence: missense variant.
Genome position (GRCh38, 1-based): chr16:1,222,655, C>T on the plus strand (G>A on the coding strand, the complement: TPSG1 is on the minus strand). VCF-style: chr16-1222655-C-T. GRCh37 (hg19) VCF-style: chr16-1272655-C-T.
Other names: short protein forms G170R.
Identifiers: ClinVar variation 3388121 (VCV003388121.14).

ClinVar aggregate classification (germline): Likely benign (1 of 4 stars; one submission).

gnomAD v4.1: 9,818 of 1,547,130 alleles (0.63%); highest among the groups gnomAD compares: Non-Finnish European, 0.71%; 56 homozygotes.

Submission:

CeGaT Center for Human Genetics Tuebingen
Classification: Likely benign. Last evaluated: 2025-10-01. Review status: criteria provided, single submitter. Criteria: CeGaT Center For Human Genetics Tuebingen Variant Classification Criteria Version 2. Collection method: clinical testing. Allele origin: germline. Affected: yes. Observed: 3 variant alleles.
Comment: TPSG1: BS2